The following is an entry in ClinVar:

NM_000186.4(CFH):c.350+88T>C

Gene: CFH (complement factor H; plus strand). Cytogenetic location: 1q31.3.
Variant type: single nucleotide variant.
Coding change: c.350+88T>C on transcript NM_000186.4 (MANE Select); 88 bases into the intron after coding-DNA position 350, T replaced by C.
Molecular consequence: intron variant.
Genome position (GRCh38, 1-based): chr1:196,674,050, T>C. VCF-style: chr1-196674050-T-C. GRCh37 (hg19) VCF-style: chr1-196643180-T-C.
Other names: c.350+88T>C (NM_001014975.3).
Identifiers: ClinVar variation 4291671 (VCV004291671.2).

ClinVar aggregate classification (germline): Likely benign (1 of 4 stars; one submission).

Conditions:
Atypical hemolytic-uremic syndrome. Identifiers: Orphanet 2134, MedGen C2931788, MONDO:0016244.
Age related macular degeneration 4. Identifiers: MedGen C1853147, MONDO:0012540, OMIM 610698.
Basal laminar drusen. Also called: DRUSEN OF BRUCH MEMBRANE; DRUSEN, CUTICULAR; DRUSEN, EARLY ADULT-ONSET, GROUPED. Identifiers: Orphanet 75376, MedGen C0730295, MONDO:0007472, OMIM 126700.
Factor H deficiency (CFHD). Also called: COMPLEMENT FACTOR H DEFICIENCY; CFH DEFICIENCY. Identifiers: Orphanet 200421, MedGen C0398777, MONDO:0012350, OMIM 609814.

gnomAD v4.1: 2,725 of 925,204 alleles (0.29%); highest among the groups gnomAD compares: East Asian, 0.78%; 10 homozygotes.

Submission:

Genomenon, Inc
Classification: Likely benign for Age related macular degeneration 4; Atypical hemolytic-uremic syndrome; Factor H deficiency; Basal laminar drusen. Last evaluated: 2026-09-17. Review status: criteria provided, single submitter. Criteria: Genomenon Sequence Variant Interpretation Standards - Updated. Collection method: curation. Allele origin: germline. Affected: no.
Comment: CFH c.350+88T>C is an intronic variant located in intron 3. This variant has been reported in the published literature (PMID: 18421087). This variant is not predicted to impact splicing. This variant's allele frequency in gnomAD is greater than expected for this disorder. In conclusion, we classify CFH c.350+88T>C as a likely benign variant.

Literature cited by the submitters: PubMed 18421087.